The following is an entry in ClinVar:

NM_000219.6(KCNE1):c.302A>G (p.Glu101Gly)

Gene: KCNE1 (potassium voltage-gated channel subfamily E regulatory subunit 1; minus strand). Cytogenetic location: 21q22.12.
Variant type: single nucleotide variant.
Coding change: c.302A>G on transcript NM_000219.6 (MANE Select); coding-DNA position 302, A replaced by G.
Protein change: p.Glu101Gly; replaces glutamic acid 101 with glycine.
Molecular consequence: missense variant.
Genome position (GRCh38, 1-based): chr21:34,449,333, T>C on the plus strand (A>G on the coding strand, the complement: KCNE1 is on the minus strand). VCF-style: chr21-34449333-T-C. GRCh37 (hg19) VCF-style: chr21-35821631-T-C.
Other names: c.302A>G, p.Glu101Gly (NM_001127668.4, NM_001127669.4, NM_001127670.4 and 4 more transcripts); short protein forms E101G.
Identifiers: ClinVar variation 3374578 (VCV003374578.2).

Conditions:
Long QT syndrome 5 (LQT5). Identifiers: Orphanet 101016, Orphanet 768, MedGen C1867904, MONDO:0013372, OMIM 613695.

Submission:

Roden Lab, Vanderbilt University Medical Center
No classification provided (evidence only). Condition: Long QT syndrome 5. Review status: no classification provided. Collection method: in vitro. Allele origin: not applicable. Functional consequence: Effect on ion channel function.
ClinVar note: "not provided" was previously submitted as the classification for the variant. However, the classification appeared to be based only on an observation of functional data so it was converted to no classification on 2025-07-30.